The following is an entry in ClinVar:

NM_080680.3(COL11A2):c.398C>T (p.Pro133Leu)

Gene: COL11A2 (collagen type XI alpha 2 chain; minus strand). Cytogenetic location: 6p21.32.
Variant type: single nucleotide variant.
Coding change: c.398C>T on transcript NM_080680.3 (MANE Select); coding-DNA position 398, C replaced by T.
Protein change: p.Pro133Leu; replaces proline 133 with leucine.
Molecular consequence: missense variant. On other transcripts: 5 prime UTR variant (3), non-coding transcript variant (1).
Genome position (GRCh38, 1-based): chr6:33,189,023, G>A on the plus strand (C>T on the coding strand, the complement: COL11A2 is on the minus strand). VCF-style: chr6-33189023-G-A. GRCh37 (hg19) VCF-style: chr6-33156800-G-A.
Other names: c.398C>T, p.Pro133Leu (NM_001163771.2, NM_001424108.1, NM_080679.3 and 1 more transcripts); c.-449C>T (NM_001424109.1, NM_001424110.1, NM_001424111.1); short protein forms P133L.
Identifiers: ClinVar variation 4803987 (VCV004803987.1).

ClinVar aggregate classification (germline): Uncertain significance (1 of 4 stars; one submission).

gnomAD v4.1: 3 of 1,614,086 alleles (0.00019%); highest among the groups gnomAD compares: Non-Finnish European, 0.00025%; no homozygotes.

Submission:

Labcorp Genetics (formerly Invitae), Labcorp
Classification: Uncertain significance. Last evaluated: 2026-01-25. Review status: criteria provided, single submitter. Criteria: Invitae Variant Classification Sherloc (09022015). Collection method: clinical testing. Allele origin: germline.
Comment: This sequence change replaces proline, which is neutral and non-polar, with leucine, which is neutral and non-polar, at codon 133 of the COL11A2 protein (p.Pro133Leu). This variant is present in population databases (no rsID available, gnomAD 0.0009%). This variant has not been reported in the literature in individuals affected with COL11A2-related conditions. Invitae Evidence Modeling of protein sequence and biophysical properties (such as structural, functional, and spatial information, amino acid conservation, physicochemical variation, residue mobility, and thermodynamic stability) indicates that this missense variant is not expected to disrupt COL11A2 protein function with a negative predictive value of 95%. In summary, the available evidence is currently insufficient to determine the role of this variant in disease. Therefore, it has been classified as a Variant of Uncertain Significance.